The following is an entry in ClinVar:

NM_020975.6(RET):c.2516A>C (p.Asp839Ala)

Gene: RET (ret proto-oncogene; plus strand). Cytogenetic location: 10q11.21.
Variant type: single nucleotide variant.
Coding change: c.2516A>C on transcript NM_020975.6 (MANE Select); coding-DNA position 2516, A replaced by C.
Protein change: p.Asp839Ala; replaces aspartic acid 839 with alanine.
Molecular consequence: missense variant.
Genome position (GRCh38, 1-based): chr10:43,119,654, A>C. VCF-style: chr10-43119654-A-C. GRCh37 (hg19) VCF-style: chr10-43615102-A-C.
Other names: c.1754A>C, p.Asp585Ala (NM_001355216.2); c.2516A>C, p.Asp839Ala (NM_001406743.1, NM_001406744.1, NM_001406759.1 and 2 more transcripts); c.2387A>C, p.Asp796Ala (NM_001406761.1, NM_001406762.1, NM_001406764.1); c.2381A>C, p.Asp794Ala (NM_001406763.1, NM_001406765.1); c.2228A>C, p.Asp743Ala (NM_001406766.1, NM_001406767.1, NM_001406770.1); c.2252A>C, p.Asp751Ala (NM_001406768.1); c.2120A>C, p.Asp707Ala (NM_001406769.1, NM_001406772.1); c.2078A>C, p.Asp693Ala (NM_001406771.1, NM_001406773.1); and 10 more; short protein forms D356A, D404A, D444A, D495A, D497A, D500A, D509A, D540A.
Identifiers: ClinVar variation 4757921 (VCV004757921.1).

ClinVar aggregate classification (germline): Uncertain significance (1 of 4 stars; one submission).

Conditions:
Multiple endocrine neoplasia, type 2 (MEN2). Identifiers: Orphanet 653, MedGen C4048306, MONDO:0019003. Disease mechanism: gain of function.

Submission:

Color Diagnostics, LLC DBA Color Health
Classification: Uncertain significance for Multiple endocrine neoplasia, type 2. Last evaluated: 2025-09-05. Review status: criteria provided, single submitter. Criteria: ACMG Guidelines, 2015. Collection method: clinical testing. Allele origin: germline.
Comment: This missense variant replaces aspartic acid with alanine at codon 839 of the RET protein. Computational prediction suggests that this variant may have deleterious impact on protein structure and function. To our knowledge, functional studies have not been reported for this variant. This variant has not been reported in individuals affected with RET-related disorders in the literature. This variant has not been identified in the general population by the Genome Aggregation Database (gnomAD). The available evidence is insufficient to determine the role of this variant in disease conclusively. Therefore, this variant is classified as a Variant of Uncertain Significance.